The following is an entry in ClinVar:

NM_002250.3(KCNN4):c.1023G>T (p.Gln341His)

Gene: KCNN4 (potassium calcium-activated channel subfamily N member 4; minus strand). Cytogenetic location: 19q13.31.
Variant type: single nucleotide variant.
Coding change: c.1023G>T on transcript NM_002250.3 (MANE Select); coding-DNA position 1023, G replaced by T.
Protein change: p.Gln341His; replaces glutamine 341 with histidine.
Molecular consequence: missense variant.
Genome position (GRCh38, 1-based): chr19:43,769,468, C>A on the plus strand (G>T on the coding strand, the complement: KCNN4 is on the minus strand). VCF-style: chr19-43769468-C-A. GRCh37 (hg19) VCF-style: chr19-44273620-C-A.
Other names: short protein forms Q341H.
Identifiers: ClinVar variation 4707091 (VCV004707091.1).

ClinVar aggregate classification (germline): Uncertain significance (1 of 4 stars; one submission).

Submission:

Labcorp Genetics (formerly Invitae), Labcorp
Classification: Uncertain significance. Last evaluated: 2025-12-24. Review status: criteria provided, single submitter. Criteria: Invitae Variant Classification Sherloc (09022015). Collection method: clinical testing. Allele origin: germline.
Comment: This sequence change replaces glutamine, which is neutral and polar, with histidine, which is basic and polar, at codon 341 of the KCNN4 protein (p.Gln341His). This variant is not present in population databases (gnomAD no frequency). This variant has not been reported in the literature in individuals affected with KCNN4-related conditions. Invitae Evidence Modeling of protein sequence and biophysical properties (such as structural, functional, and spatial information, amino acid conservation, physicochemical variation, residue mobility, and thermodynamic stability) indicates that this missense variant is not expected to disrupt KCNN4 protein function with a negative predictive value of 80%. In summary, the available evidence is currently insufficient to determine the role of this variant in disease. Therefore, it has been classified as a Variant of Uncertain Significance.